The following is an entry in ClinVar:

ClinVar aggregate classification (germline): Uncertain significance (1 of 4 stars; one submission).

Submission:

GeneDx
Classification: Uncertain significance. Last evaluated: 2024-11-03. Review status: criteria provided, single submitter. Criteria: GeneDx Variant Classification Process June 2021. Collection method: clinical testing. Allele origin: germline. Affected: yes.
Comment: Not observed at significant frequency in large population cohorts (gnomAD); In silico analysis supports that this missense variant has a deleterious effect on protein structure/function; Has not been previously published as pathogenic or benign to our knowledge

NM_012079.6(DGAT1):c.1163A>G (p.His388Arg)

Gene: DGAT1 (diacylglycerol O-acyltransferase 1; minus strand). Cytogenetic location: 8q24.3.
Variant type: single nucleotide variant.
Coding change: c.1163A>G on transcript NM_012079.6 (MANE Select); coding-DNA position 1163, A replaced by G.
Protein change: p.His388Arg; replaces histidine 388 with arginine.
Molecular consequence: missense variant.
Genome position (GRCh38, 1-based): chr8:144,317,107, T>C on the plus strand (A>G on the coding strand, the complement: DGAT1 is on the minus strand). VCF-style: chr8-144317107-T-C. GRCh37 (hg19) VCF-style: chr8-145540770-T-C.
Other names: short protein forms H388R.
Identifiers: ClinVar variation 3897119 (VCV003897119.1).